The following is an entry in ClinVar:

ClinVar aggregate classification (germline): Uncertain significance (1 of 4 stars; one submission).

Submission:

CeGaT Center for Human Genetics Tuebingen
Classification: Uncertain significance. Last evaluated: 2025-07-01. Review status: criteria provided, single submitter. Criteria: CeGaT Center For Human Genetics Tuebingen Variant Classification Criteria Version 2. Collection method: clinical testing. Allele origin: germline. Affected: yes. Observed: 1 variant allele.
Comment: ARFGEF1: PM2, PP2, PP3

NM_006421.5(ARFGEF1):c.2170G>A (p.Gly724Arg)

Gene: ARFGEF1 (ARF guanine nucleotide exchange factor 1; minus strand). Cytogenetic location: 8q13.2.
Variant type: single nucleotide variant.
Coding change: c.2170G>A on transcript NM_006421.5 (MANE Select); coding-DNA position 2170, G replaced by A.
Protein change: p.Gly724Arg; replaces glycine 724 with arginine.
Molecular consequence: missense variant. On other transcripts: non-coding transcript variant (1).
Genome position (GRCh38, 1-based): chr8:67,259,880, C>T on the plus strand (G>A on the coding strand, the complement: ARFGEF1 is on the minus strand). VCF-style: chr8-67259880-C-T. GRCh37 (hg19) VCF-style: chr8-68172115-C-T.
Other names: c.2170G>A, p.Gly724Arg (NM_001413184.1, NM_001413185.1, NM_001413186.1 and 7 more transcripts); c.1570G>A, p.Gly524Arg (NM_001413188.1, NM_001413193.1, NM_001413197.1); c.745G>A, p.Gly249Arg (NM_001413196.1); short protein forms G249R, G524R, G724R.
Identifiers: ClinVar variation 4085540 (VCV004085540.8).